The following is an entry in ClinVar:

NM_001042492.3(NF1):c.2991-1G>C

Gene: NF1 (neurofibromin 1; plus strand). Cytogenetic location: 17q11.2.
Variant type: single nucleotide variant.
Coding change: c.2991-1G>C on transcript NM_001042492.3 (MANE Select); the canonical splice acceptor site of the intron before coding-DNA position 2991, G replaced by C.
Molecular consequence: splice acceptor variant.
Genome position (GRCh38, 1-based): chr17:31,230,259, G>C. VCF-style: chr17-31230259-G-C. GRCh37 (hg19) VCF-style: chr17-29557277-G-C.
Other names: c.2991-1G>C (NM_000267.4).
Identifiers: ClinVar variation 457613 (VCV000457613.10), dbSNP rs1060500273, ClinGen allele CA398986497.

ClinVar aggregate classification (germline): Pathogenic/Likely pathogenic. Review status: criteria provided, multiple submitters, no conflicts (2 of 4 stars). 5 submissions from 5 submitters: Pathogenic (4); Likely pathogenic (1). Last evaluated 2025-07-29.

Conditions:
Cardiovascular phenotype. Identifiers: MedGen CN230736.
Hereditary cancer-predisposing syndrome. Also called: Hereditary Cancer Syndrome; Hereditary neoplastic syndrome; Tumor predisposition; Neoplastic Syndromes, Hereditary. Identifiers: Orphanet 140162, MedGen C0027672, MeSH D009386, MONDO:0015356.
Neurofibromatosis, type 1 (NF1). Also called: VON RECKLINGHAUSEN DISEASE; NEUROFIBROMATOSIS, TYPE I, SOMATIC; Peripheral type neurofibromatosis; Neurofibromatosis, type I. Identifiers: Orphanet 636, MedGen C0027831, MONDO:0018975, OMIM 162200. Disease mechanism: loss of function.
Café-au-lait macules with pulmonary stenosis (WTSN). Also called: PULMONIC STENOSIS WITH CAFE-AU-LAIT SPOTS. Identifiers: MedGen C0553586, MONDO:0008672, OMIM 193520.
Juvenile myelomonocytic leukemia (JMML). Also called: LEUKEMIA, JUVENILE MYELOMONOCYTIC, SOMATIC. Identifiers: Orphanet 86834, MedGen C0349639, MONDO:0011908, OMIM 607785, HP:0012209.
Neurofibromatosis-Noonan syndrome (NFNS). Also called: NEUROFIBROMATOSIS WITH NOONAN PHENOTYPE. Identifiers: Orphanet 638, MedGen C2931482, MONDO:0011035, OMIM 601321. Disease mechanism: loss of function.
Neurofibromatosis, familial spinal (FSNF). Identifiers: Orphanet 636, MedGen C1834235, MONDO:0008078, OMIM 162210. Disease mechanism: loss of function.

Submissions (5):

Labcorp Genetics (formerly Invitae), Labcorp
Classification: Pathogenic for Neurofibromatosis, type 1. Last evaluated: 2025-07-29. Review status: criteria provided, single submitter. Criteria: Invitae Variant Classification Sherloc (09022015). Collection method: clinical testing. Allele origin: germline.
Comment: This sequence change affects an acceptor splice site in intron 22 of the NF1 gene. RNA analysis indicates that disruption of this splice site induces altered splicing and likely results in a shortened protein product. This variant is not present in population databases (gnomAD no frequency). Disruption of this splice site has been observed in individuals with neurofibromatosis type 1 (NF1), neurofibromatosis-Noonan syndrome and sporadic pheochromocytoma and additional features consistent with NF1 (PMID: 8829638, 10712197, 22962301, 23913538, 24357598). Invitae Evidence Modeling of clinical and family history, age, sex, and reported ancestry of multiple individuals with this NF1 variant has been performed. This variant is expected to be pathogenic with a positive predictive value of at least 99%. This is a validated machine learning model that incorporates the clinical features of 1,785,918 individuals referred to our laboratory for NF1 testing. ClinVar contains an entry for this variant (Variation ID: 457613). Studies have shown that disruption of this splice site results in skipping of exon 23 (also known as exon 18 in the literature), but is expected to preserve the integrity of the reading-frame (PMID: 10712197). For these reasons, this variant has been classified as Pathogenic.

Ambry Genetics
Classification: Pathogenic for Cardiovascular phenotype; Hereditary cancer-predisposing syndrome. Last evaluated: 2025-06-26. Review status: criteria provided, single submitter. Criteria: Ambry Variant Classification Scheme 2023. Collection method: clinical testing. Allele origin: germline.
Comment: The c.2991-1G>C intronic pathogenic mutation results from a G to C substitution one nucleotide upstream from coding exon 23 of the NF1 gene. Alterations that disrupt the canonical splice site are expected to result in aberrant splicing. In silico splice site analysis predicts that this alteration will weaken the native splice acceptor site. A resulting transcript is predicted to be in-frame and is not expected to trigger nonsense-mediated mRNAdecay; although, direct evidence is unavailable. However, the region predicted to be impacted is critical for protein function (Ambry internal data). This variant was reported in individuals with features consistent with neurofibromatosis type 1 (Fahsold R et al. Am J Hum Genet, 2000 Mar;66:790-818; Frayling IM et al. J Med Genet, 2019 Apr;56:209-219; Kang E et al. J Hum Genet, 2020 Jan;65:79-89; Ambry internal data). This variant is considered to be rare based on population cohorts in the Genome Aggregation Database (gnomAD). This nucleotide position is highly conserved in available vertebrate species. Based on the supporting evidence, this variant is interpreted as a disease-causing mutation.

GeneDx
Classification: Pathogenic. Last evaluated: 2023-07-24. Review status: criteria provided, single submitter. Criteria: GeneDx Variant Classification Process June 2021. Collection method: clinical testing. Allele origin: germline. Affected: yes.
Comment: Intronic variant predicted to result in an in-frame deletion of exon 23 which contains the GTPase activating protein domain and has been confirmed via RT-PCR (Xu et al., 1990; Fahsold et al., 2000; Luo et al., 2014); Observed in individuals with suspected or clinical diagnosed neurofibromatosis type 1 referred for genetic testing at GeneDx and in published literature (Fahsold et al., 2000; Burnichon et al., 2012; Kang et al., 2020); Deletions involving coding exons of this gene are a known mechanism of disease (HGMD); Not observed at significant frequency in large population cohorts (gnomAD); This variant is associated with the following publications: (PMID: 30530636, 31776437, 22962301, 10712197, 2121369, 25486365)

Fulgent Genetics
Classification: Pathogenic for Neurofibromatosis, type 1; Neurofibromatosis, familial spinal; Café-au-lait macules with pulmonary stenosis; Neurofibromatosis-Noonan syndrome; Juvenile myelomonocytic leukemia. Last evaluated: 2021-10-24. Review status: criteria provided, single submitter. Criteria: ACMG Guidelines, 2015. Collection method: clinical testing. Allele origin: unknown.

Juno Genomics, Hangzhou Juno Genomics, Inc
Classification: Likely pathogenic for Neurofibromatosis, type 1; Juvenile myelomonocytic leukemia; Neurofibromatosis, familial spinal; Neurofibromatosis-Noonan syndrome; Café-au-lait macules with pulmonary stenosis. Review status: criteria provided, single submitter. Criteria: ACMG Guidelines, 2015. Collection method: clinical testing. Allele origin: germline. Affected: yes.
Comment: Absent from controls (or at extremely low frequency if recessive) in Genome Aggregation Database, Exome Sequencing Project, 1000 Genomes Project, or Exome Aggregation Consortium.;The prevalence of the variant in affected individuals is significantly increased compared to the prevalence in controls.;Patient's phenotype or family history is highly specific for a disease with a single genetic etiology.;Null variant in a gene where loss of function (LOF) is a known mechanism of disease.

Literature cited by the submitters: PubMed 8829638 (cited by Labcorp Genetics (formerly Invitae), Labcorp); PubMed 10712197 (cited by Labcorp Genetics (formerly Invitae), Labcorp and Ambry Genetics); PubMed 22962301 (cited by Labcorp Genetics (formerly Invitae), Labcorp); PubMed 23913538 (cited by Labcorp Genetics (formerly Invitae), Labcorp); PubMed 24357598 (cited by Labcorp Genetics (formerly Invitae), Labcorp); PubMed 30530636 (cited by Ambry Genetics); PubMed 31776437 (cited by Ambry Genetics).